The following is an entry in ClinVar:

ClinVar aggregate classification (germline): Uncertain significance (1 of 4 stars; one submission).

Submission:

GeneDx
Classification: Uncertain significance. Last evaluated: 2023-07-03. Review status: criteria provided, single submitter. Criteria: GeneDx Variant Classification Process June 2021. Collection method: clinical testing. Allele origin: germline. Affected: yes.
Comment: Not observed at significant frequency in large population cohorts (gnomAD); In silico analysis supports that this missense variant does not alter protein structure/function; Has not been previously published as pathogenic or benign to our knowledge

NM_130839.5(UBE3A):c.332A>G (p.Asn111Ser)

Genes: SNHG14 (small nucleolar RNA host gene 14; plus strand), UBE3A (ubiquitin protein ligase E3A; minus strand). Cytogenetic location: 15q11.2.
Variant type: single nucleotide variant.
Coding change: c.332A>G on transcript NM_130839.5 (MANE Select); coding-DNA position 332, A replaced by G.
Protein change: p.Asn111Ser; replaces asparagine 111 with serine.
Molecular consequence: missense variant. On other transcripts: non-coding transcript variant (1).
Genome position (GRCh38, 1-based): chr15:25,375,494, T>C on the plus strand (A>G on the coding strand, the complement: UBE3A is on the minus strand). VCF-style: chr15-25375494-T-C. GRCh37 (hg19) VCF-style: chr15-25620641-T-C.
Other names: c.341A>G, p.Asn114Ser (NM_000462.5); c.332A>G, p.Asn111Ser (NM_001354505.1, NM_001354550.2, NM_001354538.2 and 1 more transcripts); c.272A>G, p.Asn91Ser (NM_001354506.2, NM_001354507.2, NM_001354508.2 and 18 more transcripts); c.155A>G, p.Asn52Ser (NM_001354546.2); short protein forms N111S, N114S, N52S, N91S.
Identifiers: ClinVar variation 3340269 (VCV003340269.1).